The following is an entry in ClinVar:

NM_005591.4(MRE11):c.1532A>G (p.Asn511Ser)

Gene: MRE11 (MRE11 double strand break repair nuclease; minus strand). Cytogenetic location: 11q21.
Variant type: single nucleotide variant.
Coding change: c.1532A>G on transcript NM_005591.4 (MANE Select); coding-DNA position 1532, A replaced by G.
Protein change: p.Asn511Ser; replaces asparagine 511 with serine.
Molecular consequence: missense variant.
Genome position (GRCh38, 1-based): chr11:94,456,307, T>C on the plus strand (A>G on the coding strand, the complement: MRE11 is on the minus strand). VCF-style: chr11-94456307-T-C. GRCh37 (hg19) VCF-style: chr11-94189473-T-C.
Other names: c.1532A>G, p.Asn511Ser (NM_001330347.2, NM_005590.4); short protein forms N511S.
Identifiers: ClinVar variation 2565904 (VCV002565904.2), dbSNP rs775257680, ClinGen allele CA382370764.

ClinVar aggregate classification (germline): Uncertain significance (1 of 4 stars; one submission).

Conditions:
Hereditary cancer-predisposing syndrome. Also called: Neoplastic Syndromes, Hereditary; Hereditary Cancer Syndrome; Hereditary neoplastic syndrome; Tumor predisposition. Identifiers: Orphanet 140162, MedGen C0027672, MeSH D009386, MONDO:0015356.

Submission:

Ambry Genetics
Classification: Uncertain significance for Hereditary cancer-predisposing syndrome. Last evaluated: 2023-05-04. Review status: criteria provided, single submitter. Criteria: Ambry Variant Classification Scheme 2023. Collection method: clinical testing. Allele origin: germline.
Comment: The p.N511S variant (also known as c.1532A>G), located in coding exon 13 of the MRE11A gene, results from an A to G substitution at nucleotide position 1532. The asparagine at codon 511 is replaced by serine, an amino acid with highly similar properties. This amino acid position is conserved. In addition, this alteration is predicted to be tolerated by in silico analysis. Since supporting evidence is limited at this time, the clinical significance of this alteration remains unclear.